The following is an entry in ClinVar:

ClinVar aggregate classification (germline): Likely benign. Review status: criteria provided, multiple submitters, no conflicts (2 of 4 stars). 3 submissions from 3 submitters: Likely benign (3). Last evaluated 2026-09-15.

Conditions:
Inborn genetic diseases. Identifiers: MedGen C0950123, MeSH D030342.
TAOK1-related disorder. Also called: TAOK1-related condition.

Allele frequency attached by ClinVar (database versions not stated): ExAC 0.00007; gnomAD exomes 0.00008; gnomAD 0.00017; TOPMed 0.00036.
gnomAD v4.1: 146 of 1,613,340 alleles (0.009%); highest among the groups gnomAD compares: Middle Eastern, 0.23%; no homozygotes.

Submissions (3):

PreventionGenetics, part of Exact Sciences
Classification: Likely benign for TAOK1-related condition. Last evaluated: 2026-09-15. Review status: criteria provided, single submitter. Criteria: ACMG Guidelines, 2015. Collection method: clinical testing. Allele origin: germline.
Comment: This variant is classified as likely benign based on ACMG/AMP sequence variant interpretation guidelines (Richards et al. 2015 PMID: 25741868, with internal and published modifications).

CeGaT Center for Human Genetics Tuebingen
Classification: Likely benign. Last evaluated: 2025-12-01. Review status: criteria provided, single submitter. Criteria: CeGaT Center For Human Genetics Tuebingen Variant Classification Criteria Version 2. Collection method: clinical testing. Allele origin: germline. Affected: yes. Observed: 1 variant allele.
Comment: TAOK1: BS1

Ambry Genetics
Classification: Likely benign for Inborn genetic diseases. Last evaluated: 2022-11-02. Review status: criteria provided, single submitter. Criteria: Ambry Variant Classification Scheme 2023. Collection method: clinical testing. Allele origin: germline.

NM_020791.4(TAOK1):c.1280G>A (p.Arg427His)

Gene: TAOK1 (TAO kinase 1; plus strand). Cytogenetic location: 17q11.2.
Variant type: single nucleotide variant.
Coding change: c.1280G>A on transcript NM_020791.4 (MANE Select); coding-DNA position 1280, G replaced by A.
Protein change: p.Arg427His; replaces arginine 427 with histidine.
Molecular consequence: missense variant.
Genome position (GRCh38, 1-based): chr17:29,502,665, G>A. VCF-style: chr17-29502665-G-A. GRCh37 (hg19) VCF-style: chr17-27829683-G-A.
Other names: c.1280G>A, p.Arg427His (NM_025142.1); short protein forms R427H.
Identifiers: ClinVar variation 3173775 (VCV003173775.7), dbSNP rs762696676, ClinGen allele CA8474639.